The following is an entry in ClinVar:

ClinVar aggregate classification (germline): Uncertain significance. Review status: criteria provided, multiple submitters, no conflicts (2 of 4 stars). 2 submissions from 2 submitters: Uncertain significance (2). Last evaluated 2026-08-13.

Conditions:
TTLL5-related disorder. Also called: TTLL5-related condition.

Allele frequency attached by ClinVar (database versions not stated): ExAC 0.00001; gnomAD 0.00001; gnomAD exomes 0.00001; TOPMed 0.00001.

Submissions (2):

PreventionGenetics, part of Exact Sciences
Classification: Uncertain significance for TTLL5-related condition. Last evaluated: 2026-08-13. Review status: criteria provided, single submitter. Criteria: ACMG Guidelines, 2015. Collection method: clinical testing. Allele origin: germline.
Comment: The TTLL5 c.1754G>A variant is predicted to result in the amino acid substitution p.Ser585Asn. To our knowledge, this variant has not been reported in the literature. This variant is reported in 0.0058% of alleles in individuals of Latino descent in gnomAD. At this time, the clinical significance of this variant is uncertain due to the absence of conclusive functional and genetic evidence.

Labcorp Genetics (formerly Invitae), Labcorp
Classification: Uncertain significance. Last evaluated: 2021-10-10. Review status: criteria provided, single submitter. Criteria: Invitae Variant Classification Sherloc (09022015). Collection method: clinical testing. Allele origin: germline.
Comment: This sequence change replaces serine with asparagine at codon 585 of the TTLL5 protein (p.Ser585Asn). The serine residue is moderately conserved and there is a small physicochemical difference between serine and asparagine. This variant is present in population databases (rs749266782, ExAC 0.009%). This variant has not been reported in the literature in individuals affected with TTLL5-related conditions. Algorithms developed to predict the effect of missense changes on protein structure and function (SIFT, PolyPhen-2, Align-GVGD) all suggest that this variant is likely to be tolerated. In summary, the available evidence is currently insufficient to determine the role of this variant in disease. Therefore, it has been classified as a Variant of Uncertain Significance.

NM_015072.5(TTLL5):c.1754G>A (p.Ser585Asn)

Gene: TTLL5 (tubulin tyrosine ligase like 5; plus strand). Cytogenetic location: 14q24.3.
Variant type: single nucleotide variant.
Coding change: c.1754G>A on transcript NM_015072.5 (MANE Select); coding-DNA position 1754, G replaced by A.
Protein change: p.Ser585Asn; replaces serine 585 with asparagine.
Molecular consequence: missense variant.
Genome position (GRCh38, 1-based): chr14:75,766,107, G>A. VCF-style: chr14-75766107-G-A. GRCh37 (hg19) VCF-style: chr14-76232450-G-A.
Other names: c.1754G>A (NM_015072.4); short protein forms S585N.
Identifiers: ClinVar variation 1360859 (VCV001360859.7), dbSNP rs749266782, ClinGen allele CA7279529.